The following is an entry in ClinVar:

NM_006914.4(RORB):c.415G>A (p.Gly139Ser)

Gene: RORB (RAR related orphan receptor B; plus strand). Cytogenetic location: 9q21.13.
Variant type: single nucleotide variant.
Coding change: c.415G>A on transcript NM_006914.4 (MANE Select); coding-DNA position 415, G replaced by A.
Protein change: p.Gly139Ser; replaces glycine 139 with serine.
Molecular consequence: missense variant.
Genome position (GRCh38, 1-based): chr9:74,642,593, G>A. VCF-style: chr9-74642593-G-A. GRCh37 (hg19) VCF-style: chr9-77257509-G-A.
Other names: c.448G>A, p.Gly150Ser (NM_001365023.1); c.415G>A (NM_006914.3); short protein forms G150S, G139S.
Identifiers: ClinVar variation 1428328 (VCV001428328.6), dbSNP rs763065753, ClinGen allele CA5083364.

ClinVar aggregate classification (germline): Conflicting classifications of pathogenicity. Review status: criteria provided, conflicting classifications (1 of 4 stars). 2 submissions from 2 submitters: Uncertain significance (1); Likely benign (1). Last evaluated 2023-05-17.

Conditions:
Inborn genetic diseases. Identifiers: MedGen C0950123, MeSH D030342.

Allele frequency attached by ClinVar (database versions not stated): ExAC 0.00001; gnomAD exomes 0.00001 and 0.00002; TOPMed 0.00001; gnomAD 0.00003 and 0.00004.
gnomAD v4.1: 42 of 1,614,152 alleles (0.0026%); highest among the groups gnomAD compares: African/African-American, 0.0053%; no homozygotes.

Submissions (2):

Ambry Genetics
Classification: Likely benign for Inborn genetic diseases. Last evaluated: 2023-05-17. Review status: criteria provided, single submitter. Criteria: Ambry Variant Classification Scheme 2023. Collection method: clinical testing. Allele origin: germline.

Labcorp Genetics (formerly Invitae), Labcorp
Classification: Uncertain significance. Last evaluated: 2021-09-08. Review status: criteria provided, single submitter. Criteria: Invitae Variant Classification Sherloc (09022015). Collection method: clinical testing. Allele origin: germline.
Comment: This sequence change replaces glycine with serine at codon 139 of the RORB protein (p.Gly139Ser). The glycine residue is moderately conserved and there is a small physicochemical difference between glycine and serine. This variant is present in population databases (rs763065753, ExAC 0.001%). This variant has not been reported in the literature in individuals affected with RORB-related conditions. Algorithms developed to predict the effect of missense changes on protein structure and function output the following: SIFT: "Tolerated"; PolyPhen-2: "Benign"; Align-GVGD: "Class C0". The serine amino acid residue is found in multiple mammalian species, which suggests that this missense change does not adversely affect protein function. In summary, the available evidence is currently insufficient to determine the role of this variant in disease. Therefore, it has been classified as a Variant of Uncertain Significance.